The following is an entry in ClinVar:

ClinVar aggregate classification (germline): Uncertain significance (1 of 4 stars; one submission).

Conditions:
Congenital myasthenic syndrome 20. Also called: Myasthenic syndrome, congenital, 20, presynaptic. Identifiers: MedGen C4310694, MONDO:0014939, OMIM 617143.
Neuronopathy, distal hereditary motor, type 7A. Also called: Neuronopathy, distal hereditary motor, type viia; NEURONOPATHY, DISTAL HEREDITARY MOTOR, HARDING TYPE VIIA; NEUROPATHY, DISTAL HEREDITARY MOTOR, HARDING TYPE VIIA; Neuronopathy, distal hereditary motor, autosomal dominant 7; HARPER-YOUNG MYOPATHY; HMN VIIA. Identifiers: Orphanet 139589, MedGen C1834703, MONDO:0008024, OMIM 158580.

Allele frequency attached by ClinVar (database versions not stated): gnomAD exomes below 0.00001.

Submission:

Labcorp Genetics (formerly Invitae), Labcorp
Classification: Uncertain significance for Neuronopathy, distal hereditary motor, type 7A; Congenital myasthenic syndrome 20. Last evaluated: 2021-03-24. Review status: criteria provided, single submitter. Criteria: Invitae Variant Classification Sherloc (09022015). Collection method: clinical testing. Allele origin: germline.
Comment: In summary, the available evidence is currently insufficient to determine the role of this variant in disease. Therefore, it has been classified as a Variant of Uncertain Significance. Algorithms developed to predict the effect of missense changes on protein structure and function (SIFT, PolyPhen-2, Align-GVGD) all suggest that this variant is likely to be tolerated, but these predictions have not been confirmed by published functional studies and their clinical significance is uncertain. This variant has not been reported in the literature in individuals with SLC5A7-related conditions. This variant is not present in population databases (ExAC no frequency). This sequence change replaces serine with alanine at codon 235 of the SLC5A7 protein (p.Ser235Ala). The serine residue is weakly conserved and there is a moderate physicochemical difference between serine and alanine.

NM_021815.5(SLC5A7):c.703T>G (p.Ser235Ala)

Gene: SLC5A7 (solute carrier family 5 member 7; plus strand). Cytogenetic location: 2q12.3.
Variant type: single nucleotide variant.
Coding change: c.703T>G on transcript NM_021815.5 (MANE Select); coding-DNA position 703, T replaced by G.
Protein change: p.Ser235Ala; replaces serine 235 with alanine.
Molecular consequence: missense variant. On other transcripts: 5 prime UTR variant (1).
Genome position (GRCh38, 1-based): chr2:108,002,002, T>G. VCF-style: chr2-108002002-T-G. GRCh37 (hg19) VCF-style: chr2-108618458-T-G.
Other names: c.703T>G, p.Ser235Ala (NM_001305005.3); c.388T>G, p.Ser130Ala (NM_001305006.3); c.-39T>G (NM_001305007.3); short protein forms S130A, S235A.
Identifiers: ClinVar variation 1352689 (VCV001352689.8), dbSNP rs1677928025, ClinGen allele CA348112938.